The following is an entry in ClinVar:

ClinVar aggregate classification (germline): Benign. Review status: criteria provided, multiple submitters, no conflicts (2 of 4 stars). 3 submissions from 3 submitters: Benign (3). Last evaluated 2026-02-02.

Allele frequency attached by ClinVar (database versions not stated): 1000 Genomes Project 30x 0.14241; 1000 Genomes Project 0.14257; ExAC 0.17140; gnomAD exomes 0.17153; TOPMed 0.17552; gnomAD 0.17985.

Submissions (5):

Labcorp Genetics (formerly Invitae), Labcorp
Classification: Benign. Last evaluated: 2026-02-02. Review status: criteria provided, single submitter. Criteria: Invitae Variant Classification Sherloc (09022015). Collection method: clinical testing. Allele origin: germline.

Laboratory for Molecular Medicine, Mass General Brigham Personalized Medicine
Classification: Benign. Last evaluated: 2016-03-28. Review status: criteria provided, single submitter. Criteria: LMM Criteria. Collection method: clinical testing. Allele origin: germline.
Comment: Variant identified in a genome or exome case(s) and assessed due to predicted null impact of the variant or pathogenic assertions in the literature or databases. Disclaimer: This variant has not undergone full assessment. The following are preliminary notes: Frequency

Breakthrough Genomics
Classification: Benign. Review status: criteria provided, single submitter. Criteria: ACMG Guidelines, 2015. Collection method: not provided. Allele origin: germline. Inheritance: Unknown mechanism. Affected: yes.

Dr. Peter K. Rogan Lab, Western University
No classification provided (evidence only). Condition: Hepatocellular carcinoma. Review status: no classification provided. Collection method: in vitro. Allele origin: not applicable. Functional consequence: retained intron. Not counted in ClinVar's aggregate classification.

Dr. Peter K. Rogan Lab, Western University
No classification provided (evidence only). Condition: Hepatocellular carcinoma. Review status: no classification provided. Collection method: in vitro. Allele origin: not applicable. Functional consequence: retained intron. Not counted in ClinVar's aggregate classification.

NM_032153.6(ZIC4):c.-15-1152G>A

Gene: ZIC4 (Zic family zinc finger 4; minus strand). Cytogenetic location: 3q24.
Variant type: single nucleotide variant.
Coding change: c.-15-1152G>A on transcript NM_032153.6 (MANE Select); 1152 bases into the intron before 15 bases upstream of the start codon, G replaced by A.
Molecular consequence: intron variant. On other transcripts: synonymous variant (1).
Genome position (GRCh38, 1-based): chr3:147,403,964, C>T on the plus strand (G>A on the coding strand, the complement: ZIC4 is on the minus strand). VCF-style: chr3-147403964-C-T. GRCh37 (hg19) VCF-style: chr3-147121751-C-T.
Other names: c.135G>A, p.Lys45= (NM_001168378.1); c.-15-1152G>A (NM_001243256.2); c.100-1152G>A (NM_001168379.2).
Identifiers: ClinVar variation 403620 (VCV000403620.11), dbSNP rs6766244, ClinGen allele CA2656957.